The following is an entry in ClinVar:

NM_001267550.2(TTN):c.19383T>C (p.Asn6461=)

Gene: TTN (titin; minus strand). Cytogenetic location: 2q31.2.
Variant type: single nucleotide variant.
Coding change: c.19383T>C on transcript NM_001267550.2 (MANE Select); coding-DNA position 19383, T replaced by C.
Protein change: p.Asn6461=; no amino-acid change (asparagine 6461 retained).
Molecular consequence: synonymous variant. On other transcripts: intron variant (3).
Genome position (GRCh38, 1-based): chr2:178,728,543, A>G on the plus strand (T>C on the coding strand, the complement: TTN is on the minus strand). VCF-style: chr2-178728543-A-G. GRCh37 (hg19) VCF-style: chr2-179593270-A-G.
Other names: p.N5217N:AAT>AAC; p.Asn5217=; c.18432T>C, p.Asn6144= (NM_001256850.1); c.15651T>C, p.Asn5217= (NM_133378.4); c.13282+9539T>C (NM_003319.4); c.13858+9539T>C (NM_133437.4); c.13657+9539T>C (NM_133432.3).
Identifiers: ClinVar variation 46658 (VCV000046658.80), dbSNP rs76771282, ClinGen allele CA282758.

ClinVar aggregate classification (germline): Benign/Likely benign. Review status: criteria provided, multiple submitters, no conflicts (2 of 4 stars). 27 submissions from 20 submitters: Benign (15); Likely benign (6). 6 of the submissions do not count toward it. Last evaluated 2026-08-01.

Conditions:
Dilated cardiomyopathy 1G (CMD1G). Identifiers: Orphanet 154, MedGen C1858763, MONDO:0011400, OMIM 604145.
Autosomal recessive limb-girdle muscular dystrophy type 2J (LGMDR10). Also called: MUSCULAR DYSTROPHY, LIMB-GIRDLE, AUTOSOMAL RECESSIVE 10; Limb-girdle muscular dystrophy, type 2J. Identifiers: Orphanet 140922, MedGen C1837342, MONDO:0012127, OMIM 608807.
Cardiovascular phenotype. Identifiers: MedGen CN230736.
Cardiomyopathy (CMYO). Also called: Cardiomyopathies. Identifiers: Orphanet 167848, MedGen C0878544, MONDO:0004994, HP:0001638. Inheritance: Various modes of inheritance.
Early-onset myopathy with fatal cardiomyopathy (CMYO5). Also called: CONGENITAL MYOPATHY 5 WITH CARDIOMYOPATHY; Salih Myopathy. Identifiers: Orphanet 289377, MedGen C2673677, MONDO:0012714, OMIM 611705. Disease mechanism: loss of function.
Myopathy, myofibrillar, 9, with early respiratory failure (MFM9). Also called: Myopathy, distal, with early respiratory failure, autosomal dominant; Hereditary myopathy with early respiratory failure; MYOPATHY, PROXIMAL, WITH EARLY RESPIRATORY MUSCLE INVOLVEMENT; EDSTROM MYOPATHY. Identifiers: Orphanet 178464, Orphanet 34521, MedGen C1863599, MONDO:0011362, OMIM 603689.
Tibial muscular dystrophy (TMD). Also called: Udd Distal Myopathy – Tibial Muscular Dystrophy; Tibial muscular dystrophy, tardive; UDD MYOPATHY. Identifiers: Orphanet 609, MedGen C1838244, MONDO:0010870, OMIM 600334.

Allele frequency attached by ClinVar (database versions not stated): 1000 Genomes Project 30x 0.00219; 1000 Genomes Project 0.00220; gnomAD 0.00607 and 0.00636; TOPMed 0.00625; ExAC 0.00717; ESP Exome Variant Server 0.00778.
gnomAD v4.1: 15,555 of 1,612,620 alleles (0.96%); highest among the groups gnomAD compares: Non-Finnish European, 1.2%; 95 homozygotes.

Submissions (27):

CeGaT Center for Human Genetics Tuebingen
Classification: Benign. Last evaluated: 2026-08-01. Review status: criteria provided, single submitter. Criteria: CeGaT Center For Human Genetics Tuebingen Variant Classification Criteria Version 2. Collection method: clinical testing. Allele origin: germline. Affected: yes. Observed: 48 variant alleles.
Comment: TTN: BP4, BP7, BS1, BS2

Labcorp Genetics (formerly Invitae), Labcorp
Classification: Benign for Dilated cardiomyopathy 1G; Autosomal recessive limb-girdle muscular dystrophy type 2J. Last evaluated: 2026-02-04. Review status: criteria provided, single submitter. Criteria: Invitae Variant Classification Sherloc (09022015). Collection method: clinical testing. Allele origin: germline.

ARUP Laboratories, Molecular Genetics and Genomics, ARUP Laboratories
Classification: Benign. Last evaluated: 2025-05-26. Review status: criteria provided, single submitter. Criteria: ARUP Molecular Germline Variant Investigation Process 2024. Collection method: clinical testing. Allele origin: germline.

Molecular Diagnostic Laboratory for Inherited Cardiovascular Disease, Montreal Heart Institute
Classification: Benign. Last evaluated: 2025-04-09. Review status: criteria provided, single submitter. Criteria: ACMG Guidelines, 2015. Collection method: clinical testing. Allele origin: germline. Affected: no.

Blueprint Genetics
Classification: Likely benign. Last evaluated: 2024-11-22. Review status: criteria provided, single submitter. Criteria: ACMG Guidelines, 2015. Collection method: clinical testing. Allele origin: germline.

Mayo Clinic Laboratories, Mayo Clinic
Classification: Benign. Last evaluated: 2023-05-03. Review status: criteria provided, single submitter. Criteria: ACMG Guidelines, 2015. Collection method: clinical testing. Allele origin: germline. Observed: 23 variant alleles.
Comment: BS1, BS2, BP4, BP7

Genome-Nilou Lab
Classification: Benign for Autosomal recessive limb-girdle muscular dystrophy type 2J. Last evaluated: 2021-09-10. Review status: criteria provided, single submitter. Criteria: ACMG Guidelines, 2015. Collection method: clinical testing. Allele origin: germline. Affected: no.

Genome-Nilou Lab
Classification: Benign for Myopathy, myofibrillar, 9, with early respiratory failure. Last evaluated: 2021-09-10. Review status: criteria provided, single submitter. Criteria: ACMG Guidelines, 2015. Collection method: clinical testing. Allele origin: germline. Affected: no.

Genome-Nilou Lab
Classification: Benign for Early-onset myopathy with fatal cardiomyopathy. Last evaluated: 2021-09-10. Review status: criteria provided, single submitter. Criteria: ACMG Guidelines, 2015. Collection method: clinical testing. Allele origin: germline. Affected: no.

Genome-Nilou Lab
Classification: Benign for Tibial muscular dystrophy. Last evaluated: 2021-09-10. Review status: criteria provided, single submitter. Criteria: ACMG Guidelines, 2015. Collection method: clinical testing. Allele origin: germline. Affected: no.

Women's Health and Genetics/Laboratory Corporation of America, LabCorp
Classification: Benign. Last evaluated: 2020-12-06. Review status: criteria provided, single submitter. Criteria: LabCorp Variant Classification Summary - May 2015. Collection method: clinical testing. Allele origin: germline.

Illumina Laboratory Services, Illumina
Classification: Benign for Tibial muscular dystrophy. Last evaluated: 2018-01-12. Review status: criteria provided, single submitter. Criteria: ICSL Variant Classification Criteria 13 December 2019. Collection method: clinical testing. Allele origin: germline.
Comment: This variant was observed in the ICSL laboratory as part of a predisposition screen in an ostensibly healthy population. It had not been previously curated by ICSL or reported in the Human Gene Mutation Database (HGMD: prior to June 1st, 2018), and was therefore a candidate for classification through an automated scoring system. Utilizing variant allele frequency, disease prevalence and penetrance estimates, and inheritance mode, an automated score was calculated to assess if this variant is too frequent to cause the disease. Based on the score and internal cut-off values, a variant classified as benign is not then subjected to further curation. The score for this variant resulted in a classification of benign for this disease.

Illumina Laboratory Services, Illumina
Classification: Likely benign for Autosomal recessive limb-girdle muscular dystrophy type 2J. Last evaluated: 2018-01-12. Review status: criteria provided, single submitter. Criteria: ICSL Variant Classification Criteria 13 December 2019. Collection method: clinical testing. Allele origin: germline.
Comment: This variant was observed in the ICSL laboratory as part of a predisposition screen in an ostensibly healthy population. It had not been previously curated by ICSL or reported in the Human Gene Mutation Database (HGMD: prior to June 1st, 2018), and was therefore a candidate for classification through an automated scoring system. Utilizing variant allele frequency, disease prevalence and penetrance estimates, and inheritance mode, an automated score was calculated to assess if this variant is too frequent to cause the disease. Based on the score and internal cut-off values, a variant classified as likely benign is not then subjected to further curation. The score for this variant resulted in a classification of likely benign for this disease.

Illumina Laboratory Services, Illumina
Classification: Likely benign for Early-onset myopathy with fatal cardiomyopathy. Last evaluated: 2018-01-12. Review status: criteria provided, single submitter. Criteria: ICSL Variant Classification Criteria 13 December 2019. Collection method: clinical testing. Allele origin: germline.
Comment: the same text as in the submission from Illumina Laboratory Services, Illumina above.

Illumina Laboratory Services, Illumina
Classification: Likely benign for Dilated cardiomyopathy 1G. Last evaluated: 2018-01-12. Review status: criteria provided, single submitter. Criteria: ICSL Variant Classification Criteria 13 December 2019. Collection method: clinical testing. Allele origin: germline.
Comment: the same text as in the submission from Illumina Laboratory Services, Illumina above.

Illumina Laboratory Services, Illumina
Classification: Benign for Myopathy, myofibrillar, 9, with early respiratory failure. Last evaluated: 2018-01-12. Review status: criteria provided, single submitter. Criteria: ICSL Variant Classification Criteria 13 December 2019. Collection method: clinical testing. Allele origin: germline.
Comment: the same text as in the submission from Illumina Laboratory Services, Illumina above.

CHEO Genetics Diagnostic Laboratory, Children's Hospital of Eastern Ontario
Classification: Benign for Cardiomyopathy. Last evaluated: 2016-11-24. Review status: criteria provided, single submitter. Criteria: ACMG Guidelines, 2015. Collection method: clinical testing. Allele origin: germline. Study: Canadian Open Genetics Repository.

GeneDx
Classification: Benign. Last evaluated: 2013-04-29. Review status: criteria provided, single submitter. Criteria: GeneDx Variant Classification (06012015). Collection method: clinical testing. Allele origin: germline. Affected: yes.
Comment: This variant is considered likely benign or benign based on one or more of the following criteria: it is a conservative change, it occurs at a poorly conserved position in the protein, it is predicted to be benign by multiple in silico algorithms, and/or has population frequency not consistent with disease.

Ambry Genetics
Classification: Likely benign for Cardiovascular phenotype. Last evaluated: 2012-08-08. Review status: criteria provided, single submitter. Criteria: Ambry Autosomal Dominant and X-Linked criteria (10/2015). Collection method: clinical testing. Allele origin: germline. Observed: 1 variant allele.

Laboratory for Molecular Medicine, Mass General Brigham Personalized Medicine
Classification: Benign. Last evaluated: 2012-05-10. Review status: criteria provided, single submitter. Criteria: LMM Criteria. Collection method: clinical testing. Allele origin: germline. Observed: 38 variant alleles.
Comment: Asn5217Asn in exon 63 of TTN: This variant is not expected to have clinical sign ificance because it does not alter an amino acid residue, is not located within the splice consensus sequence and has been identified in 1.1% (72/6670) of Europ ean American chromosomes from a broad population by the NHLBI Exome Sequencing P roject (dbSNP rs76771282).

Breakthrough Genomics
Classification: Likely benign. Review status: criteria provided, single submitter. Criteria: ACMG Guidelines, 2015. Collection method: not provided. Allele origin: germline. Inheritance: Autosomal recessive inheritance. Affected: yes.

Clinical Genetics DNA and cytogenetics Diagnostics Lab, Erasmus MC, Erasmus Medical Center
Classification: Benign. Review status: no assertion criteria provided. Collection method: clinical testing. Allele origin: germline. Affected: yes. Study: VKGL Data-share Consensus. Not counted in ClinVar's aggregate classification.

Clinical Genetics, Academic Medical Center
Classification: Benign. Review status: no assertion criteria provided. Collection method: clinical testing. Allele origin: germline. Affected: yes. Study: VKGL Data-share Consensus. Not counted in ClinVar's aggregate classification.

Diagnostic Laboratory, Department of Genetics, University Medical Center Groningen
Classification: Likely benign. Review status: no assertion criteria provided. Collection method: clinical testing. Allele origin: germline. Affected: yes. Study: VKGL Data-share Consensus. Not counted in ClinVar's aggregate classification.

Genetic Services Laboratory, University of Chicago
Classification: Likely benign for AllHighlyPenetrant. Review status: no assertion criteria provided. Collection method: clinical testing. Allele origin: germline. Not counted in ClinVar's aggregate classification.
Comment: Likely benign based on allele frequency in 1000 Genomes Project or ESP global frequency and its presence in a patient with a rare or unrelated disease phenotype. NOT Sanger confirmed.

Joint Genome Diagnostic Labs from Nijmegen and Maastricht, Radboudumc and MUMC+
Classification: Benign. Review status: no assertion criteria provided. Collection method: clinical testing. Allele origin: germline. Affected: yes. Study: VKGL Data-share Consensus. Not counted in ClinVar's aggregate classification.

Laboratory of Diagnostic Genome Analysis, Leiden University Medical Center (LUMC)
Classification: Likely benign. Review status: no assertion criteria provided. Collection method: clinical testing. Allele origin: germline. Affected: yes. Study: VKGL Data-share Consensus. Not counted in ClinVar's aggregate classification.